The following is an entry in ClinVar:

ClinVar aggregate classification (germline): Uncertain significance (1 of 4 stars; one submission).

Conditions:
Primary ciliary dyskinesia. Also called: Ciliary dyskinesia. Identifiers: Orphanet 244, MedGen C0008780, MONDO:0016575, HP:0012265.

Allele frequency attached by ClinVar (database versions not stated): TOPMed below 0.00001; gnomAD 0.00002.
gnomAD v4.1: 2 of 1,207,325 alleles (0.00017%); highest among the groups gnomAD compares: African/African-American, 0.0035%; no homozygotes.

Submission:

Labcorp Genetics (formerly Invitae), Labcorp
Classification: Uncertain significance for Primary ciliary dyskinesia. Last evaluated: 2023-07-12. Review status: criteria provided, single submitter. Criteria: Invitae Variant Classification Sherloc (09022015). Collection method: clinical testing. Allele origin: germline.
Comment: In summary, the available evidence is currently insufficient to determine the role of this variant in disease. Therefore, it has been classified as a Variant of Uncertain Significance. Advanced modeling of protein sequence and biophysical properties (such as structural, functional, and spatial information, amino acid conservation, physicochemical variation, residue mobility, and thermodynamic stability) performed at Invitae indicates that this missense variant is not expected to disrupt RPGR (ORF15) protein function. This variant has not been reported in the literature in individuals affected with RPGR (ORF15)-related conditions. This variant is not present in population databases (gnomAD no frequency). This sequence change replaces serine, which is neutral and polar, with glycine, which is neutral and non-polar, at codon 663 of the RPGR (ORF15) protein (p.Ser663Gly).

NM_001034853.2(RPGR):c.1987A>G (p.Ser663Gly)

Gene: RPGR (retinitis pigmentosa GTPase regulator; minus strand). Cytogenetic location: Xp11.4.
Variant type: single nucleotide variant.
Coding change: c.1987A>G on transcript NM_001034853.2 (MANE Select); coding-DNA position 1987, A replaced by G.
Protein change: p.Ser663Gly; replaces serine 663 with glycine.
Molecular consequence: missense variant. On other transcripts: intron variant (8).
Genome position (GRCh38, 1-based): chrX:38,287,012, T>C on the plus strand (A>G on the coding strand, the complement: RPGR is on the minus strand). VCF-style: chrX-38287012-T-C. GRCh37 (hg19) VCF-style: chrX-38146265-T-C.
Other names: c.1569+3947A>G (NM_001367249.1, NM_001367250.1); c.1902+82A>G (NM_001367245.1); c.1386+3947A>G (NM_001367251.1); c.1719+82A>G (NM_001367246.1); c.1572+3947A>G (NM_001367247.1); c.1905+82A>G (NM_000328.3); c.1602+3947A>G (NM_001367248.1); short protein forms S663G.
Identifiers: ClinVar variation 2780635 (VCV002780635.3), dbSNP rs1349839521, ClinGen allele CA412731899.